The following is an entry in ClinVar:

NM_018706.7(DHTKD1):c.1259G>C (p.Arg420Pro)

Gene: DHTKD1 (dehydrogenase E1 and transketolase domain containing 1; plus strand). Cytogenetic location: 10p14.
Variant type: single nucleotide variant.
Coding change: c.1259G>C on transcript NM_018706.7 (MANE Select); coding-DNA position 1259, G replaced by C.
Protein change: p.Arg420Pro; replaces arginine 420 with proline.
Molecular consequence: missense variant.
Genome position (GRCh38, 1-based): chr10:12,094,172, G>C. VCF-style: chr10-12094172-G-C. GRCh37 (hg19) VCF-style: chr10-12136171-G-C.
Other names: short protein forms R420P.
Identifiers: ClinVar variation 4617305 (VCV004617305.1).

ClinVar aggregate classification (germline): Uncertain significance (1 of 4 stars; one submission).

Conditions:
Inborn genetic diseases. Identifiers: MedGen C0950123, MeSH D030342.

gnomAD v4.1: 46 of 1,614,026 alleles (0.0029%); highest among the groups gnomAD compares: Non-Finnish European, 0.0038%; no homozygotes.

Submission:

Ambry Genetics
Classification: Uncertain significance for Inborn genetic diseases. Last evaluated: 2025-09-28. Review status: criteria provided, single submitter. Criteria: Ambry Variant Classification Scheme 2023. Collection method: clinical testing. Allele origin: germline.
Comment: The c.1259G>C (p.R420P) alteration is located in exon 7 (coding exon 7) of the DHTKD1 gene. This alteration results from a G to C substitution at nucleotide position 1259, causing the arginine (R) at amino acid position 420 to be replaced by a proline (P). Based on data from gnomAD, the C allele has an overall frequency of 0.001% (2/251484) total alleles studied. The highest observed frequency was 0.002% (2/113766) of European (non-Finnish) alleles. Based on insufficient or conflicting evidence, the clinical significance of this alteration remains unclear.